The following is an entry in ClinVar:

NM_006739.4(MCM5):c.712C>T (p.His238Tyr)

Gene: MCM5 (minichromosome maintenance complex component 5; plus strand). Cytogenetic location: 22q12.3.
Variant type: single nucleotide variant.
Coding change: c.712C>T on transcript NM_006739.4 (MANE Select); coding-DNA position 712, C replaced by T.
Protein change: p.His238Tyr; replaces histidine 238 with tyrosine.
Molecular consequence: missense variant.
Genome position (GRCh38, 1-based): chr22:35,408,523, C>T. VCF-style: chr22-35408523-C-T. GRCh37 (hg19) VCF-style: chr22-35804516-C-T.
Other names: c.712C>T (NM_006739.3); short protein forms H238Y.
Identifiers: ClinVar variation 3009239 (VCV003009239.4), dbSNP rs541182164, ClinGen allele CA411363212.
Genomic context (GRCh38, chr22:35,408,523, plus strand): 5'-AAATGCAAATGCGTGGACTTCCAGACCCTGAAGCTGCAGGAGCTGCCTGATGCAGTCCCC[C>T]ACGGGGAGATGCCCAGACACATGCAGCTCTACTGCGACAGGTGAGGCAGACGGGCTGGGA-3'
Protein context (NP_006730.2, residues 228-248): KLQELPDAVP[His238Tyr]GEMPRHMQLY

ClinVar aggregate classification (germline): Uncertain significance. Review status: criteria provided, multiple submitters, no conflicts (2 of 4 stars). 2 submissions from 2 submitters: Uncertain significance (2). Last evaluated 2025-01-04.

Allele frequency attached by ClinVar (database versions not stated): gnomAD exomes below 0.00001; TOPMed 0.00002.
gnomAD v4.1: 8 of 1,614,004 alleles (0.0005%); highest among the groups gnomAD compares: South Asian, 0.0033%; no homozygotes.

Submissions (2):

Ambry Genetics
Classification: Uncertain significance. Last evaluated: 2025-01-04. Review status: criteria provided, single submitter. Criteria: Ambry Variant Classification Scheme 2023. Collection method: clinical testing. Allele origin: germline.

Labcorp Genetics (formerly Invitae), Labcorp
Classification: Uncertain significance. Last evaluated: 2023-03-31. Review status: criteria provided, single submitter. Criteria: Invitae Variant Classification Sherloc (09022015). Collection method: clinical testing. Allele origin: germline.
Comment: This sequence change replaces histidine, which is basic and polar, with tyrosine, which is neutral and polar, at codon 238 of the MCM5 protein (p.His238Tyr). This variant is present in population databases (no rsID available, gnomAD 0.006%). This variant has not been reported in the literature in individuals affected with MCM5-related conditions. Advanced modeling of protein sequence and biophysical properties (such as structural, functional, and spatial information, amino acid conservation, physicochemical variation, residue mobility, and thermodynamic stability) performed at Invitae indicates that this missense variant is not expected to disrupt MCM5 protein function. In summary, the available evidence is currently insufficient to determine the role of this variant in disease. Therefore, it has been classified as a Variant of Uncertain Significance.